The following is an entry in ClinVar:

NM_001267550.2(TTN):c.29531dup (p.Thr9845fs)

Gene: TTN (titin; minus strand). Cytogenetic location: 2q31.2.
Variant type: Duplication.
Coding change: c.29531dup on transcript NM_001267550.2 (MANE Select); coding-DNA position 29531, one base duplicated (T; older notation c.29531dupT).
Protein change: p.Thr9845fs; shifts the reading frame from threonine 9845.
Molecular consequence: frameshift variant. On other transcripts: intron variant (3).
Genome position (GRCh38, 1-based): chr2:178,705,247, A duplicated on the plus strand (T on the coding strand, the reverse complement: TTN is on the minus strand). VCF-style (leftmost placement, unchanged base first): chr2-178705246-G-GA. GRCh37 (hg19) VCF-style: chr2-179569973-G-GA.
Other names: c.28580dup, p.Thr9528fs (NM_001256850.1); c.25799dup, p.Thr8601fs (NM_133378.4); c.13282+32835dup (NM_003319.4); c.13858+32835dup (NM_133437.4); c.13657+32835dup (NM_133432.3); short protein forms T8601fs, T9528fs, T9845fs.
Identifiers: ClinVar variation 4793773 (VCV004793773.1).

ClinVar aggregate classification (germline): Likely pathogenic (1 of 4 stars; one submission).

Conditions:
Autosomal recessive limb-girdle muscular dystrophy type 2J (LGMDR10). Also called: MUSCULAR DYSTROPHY, LIMB-GIRDLE, AUTOSOMAL RECESSIVE 10; Limb-girdle muscular dystrophy, type 2J. Identifiers: Orphanet 140922, MedGen C1837342, MONDO:0012127, OMIM 608807.
Dilated cardiomyopathy 1G (CMD1G). Identifiers: Orphanet 154, MedGen C1858763, MONDO:0011400, OMIM 604145.

Submission:

Labcorp Genetics (formerly Invitae), Labcorp
Classification: Likely pathogenic for Dilated cardiomyopathy 1G; Autosomal recessive limb-girdle muscular dystrophy type 2J. Last evaluated: 2025-09-20. Review status: criteria provided, single submitter. Criteria: Invitae Variant Classification Sherloc (09022015). Collection method: clinical testing. Allele origin: germline.
Comment: This sequence change creates a premature translational stop signal (p.Thr9845Hisfs*2) in the TTN gene. While this is not anticipated to result in nonsense mediated decay, it is expected to create a truncated TTN protein. This variant is not present in population databases (gnomAD no frequency). This variant has not been reported in the literature in individuals affected with TTN-related conditions. This variant is located in the I band of TTN (PMID: 25589632). Truncating variants in this region have been reported in individuals affected with autosomal recessive centronuclear myopathy (PMID: 23975875, internal data). Truncating variants in this region have also been identified in individuals affected with autosomal dominant dilated cardiomyopathy and/or cardio-related conditions (PMID: 27869827, 32964742, internal data). In summary, the currently available evidence indicates that the variant is pathogenic, but additional data are needed to prove that conclusively. Therefore, this variant has been classified as Likely Pathogenic.

Literature cited by the submitters: PubMed 25589632; PubMed 23975875; PubMed 27869827; PubMed 32964742.